The following is an entry in ClinVar:

ClinVar aggregate classification (germline): Benign/Likely benign. Review status: criteria provided, multiple submitters, no conflicts (2 of 4 stars). 2 submissions from 2 submitters: Benign (1); Likely benign (1). Last evaluated 2026-09-01.

Conditions:
FLVCR1-related disorder. Also called: FLVCR1-related condition.

Allele frequency attached by ClinVar (database versions not stated): gnomAD 0.00001; ExAC 0.00010; gnomAD exomes 0.00011.

Submissions (2):

PreventionGenetics, part of Exact Sciences
Classification: Likely benign for FLVCR1-related condition. Last evaluated: 2026-09-01. Review status: criteria provided, single submitter. Criteria: ACMG Guidelines, 2015. Collection method: clinical testing. Allele origin: germline.
Comment: This variant is classified as likely benign based on ACMG/AMP sequence variant interpretation guidelines (Richards et al. 2015 PMID: 25741868, with internal and published modifications).

Labcorp Genetics (formerly Invitae), Labcorp
Classification: Benign. Last evaluated: 2024-06-11. Review status: criteria provided, single submitter. Criteria: Invitae Variant Classification Sherloc (09022015). Collection method: clinical testing. Allele origin: germline.

NM_014053.4(FLVCR1):c.1302G>C (p.Val434=)

Gene: FLVCR1 (FLVCR choline and heme transporter 1; plus strand). Cytogenetic location: 1q32.3.
Variant type: single nucleotide variant.
Coding change: c.1302G>C on transcript NM_014053.4 (MANE Select); coding-DNA position 1302, G replaced by C.
Protein change: p.Val434=; no amino-acid change (valine 434 retained).
Molecular consequence: synonymous variant.
Genome position (GRCh38, 1-based): chr1:212,887,996, G>C. VCF-style: chr1-212887996-G-C. GRCh37 (hg19) VCF-style: chr1-213061338-G-C.
Other names: c.1302G>C (NM_014053.3).
Identifiers: ClinVar variation 1167906 (VCV001167906.10), dbSNP rs377434833, ClinGen allele CA1386108.
Genomic context (GRCh38, chr1:212,887,996, plus strand): 5'-TATCTTTACTTTCACATTGGACCTTAGATATATTATCATCGTGTTTGTTACTGGAGGGGT[G>C]CTTGGGTAAGTATCAGATGTGTTTAGGAGGAATGATAGCATGCTGTTATAATTCTGAAGT-3'
Protein context (NP_054772.1, residues 424-444): YIIIVFVTGG[Val434=]LGFFMTGYLP